The following is an entry in ClinVar:

NM_002439.5(MSH3):c.1075A>G (p.Ile359Val)

Gene: MSH3 (mutS homolog 3; plus strand). Cytogenetic location: 5q14.1.
Variant type: single nucleotide variant.
Coding change: c.1075A>G on transcript NM_002439.5 (MANE Select); coding-DNA position 1075, A replaced by G.
Protein change: p.Ile359Val; replaces isoleucine 359 with valine.
Molecular consequence: missense variant.
Genome position (GRCh38, 1-based): chr5:80,675,030, A>G. VCF-style: chr5-80675030-A-G. GRCh37 (hg19) VCF-style: chr5-79970849-A-G.
Other names: short protein forms I359V.
Identifiers: ClinVar variation 1996564 (VCV001996564.4), dbSNP rs1749807412, ClinGen allele CA360267994.

ClinVar aggregate classification (germline): Uncertain significance (1 of 4 stars; one submission).

Submission:

Labcorp Genetics (formerly Invitae), Labcorp
Classification: Uncertain significance. Last evaluated: 2024-05-28. Review status: criteria provided, single submitter. Criteria: Invitae Variant Classification Sherloc (09022015). Collection method: clinical testing. Allele origin: germline.
Comment: This sequence change replaces isoleucine, which is neutral and non-polar, with valine, which is neutral and non-polar, at codon 359 of the MSH3 protein (p.Ile359Val). This variant is not present in population databases (gnomAD no frequency). This variant has not been reported in the literature in individuals affected with MSH3-related conditions. ClinVar contains an entry for this variant (Variation ID: 1996564). Algorithms developed to predict the effect of missense changes on protein structure and function output the following: SIFT: "Not Available"; PolyPhen-2: "Benign"; Align-GVGD: "Not Available". The valine amino acid residue is found in multiple mammalian species, which suggests that this missense change does not adversely affect protein function. In summary, the available evidence is currently insufficient to determine the role of this variant in disease. Therefore, it has been classified as a Variant of Uncertain Significance.